The following is an entry in ClinVar:

ClinVar aggregate classification (germline): Conflicting classifications of pathogenicity. Review status: criteria provided, conflicting classifications (1 of 4 stars). 3 submissions from 3 submitters: Likely pathogenic (2); Uncertain significance (1). Last evaluated 2024-03-19.

Conditions:
CRB1-related disorder. Also called: CRB1-related condition; CRB1-related disorders.
Leber congenital amaurosis 8 (LCA8). Identifiers: Orphanet 65, MedGen C3151202, MONDO:0013453, OMIM 613835.

Submissions (3):

Women's Health and Genetics/Laboratory Corporation of America, LabCorp
Classification: Uncertain significance. Last evaluated: 2024-03-19. Review status: criteria provided, single submitter. Criteria: LabCorp Variant Classification Summary - May 2015. Collection method: clinical testing. Allele origin: germline.
Comment: Variant summary: CRB1 c.1147T>C (p.Cys383Arg) results in a non-conservative amino acid change located in the EGF-like domain (IPR000742) of the encoded protein sequence. Five of five in-silico tools predict a damaging effect of the variant on protein function. The variant was absent in 251488 control chromosomes (gnomAD). The available data on variant occurrences in the general population are insufficient to allow any conclusion about variant significance. c.1147T>C has been reported in the literature in at-least one individual affected with Leber congenital amaurosis (example: Stone_2007). This report does not provide unequivocal conclusions about association of the variant with Retinal Dystrophy. To our knowledge, no experimental evidence demonstrating an impact on protein function has been reported. A different variant affecting this residue (p.Cys383Tyr) has been classified Pathogenic in ClinVar (CV ID 99866). The following publication has been ascertained in the context of this evaluation (PMID: 17964524). ClinVar contains an entry for this variant (Variation ID: 813993). Based on the evidence outlined above, the variant was classified as uncertain significance.

Blueprint Genetics
Classification: Likely pathogenic for CRB1-related disorders. Last evaluated: 2019-08-29. Review status: criteria provided, single submitter. Criteria: ACMG Guidelines, 2015. Collection method: clinical testing. Allele origin: germline. Affected: yes. Observed: 1 variant allele.

Broad Center for Mendelian Genomics, Broad Institute of MIT and Harvard
Classification: Likely pathogenic for Leber congenital amaurosis 8. Last evaluated: 2018-12-03. Review status: criteria provided, single submitter. Criteria: ACMG Guidelines, 2015. Collection method: research. Allele origin: germline. Inheritance: Autosomal recessive inheritance. Affected: yes.
Comment: The heterozygous p.Cys383Arg variant in CRB1 was identified by our study in the compound heterozygous state, with a likely pathogenic variant, in two siblings with Leber Congenital Amaurosis. The presence of this variant confirmed in trans with a likely pathogenic variant and in an individual with Leber Congenital Amaurosis increases the likelihood that the p.Gly850ValfsTer5 variant is pathogenic. The p.Cys383Arg variant in CRB1 has not been previously reported in individuals with Leber Congenital Amaurosis and was absent from large population studies. Computational prediction tools and conservation analyses suggest that this variant may impact the protein, though this information is not predictive enough to determine pathogenicity. A missense variant at the same position, p.Cys393Tyr, was reported in an individual with Leber Congenital Amaurosis and an individual with early Retinitis Pigmentosa in the literature (PMID: 11231775, 23449718). This raises the possibility that a missense change at this residue may not be tolerated. In summary, although additional studies are required to fully establish its clinical significance, this variant is likely pathogenic. Criteria applied: PM2, PM3, PP3, PM5_Supporting (Richards 2015).

Literature cited by the submitters: PubMed 17964524 (cited by Women's Health and Genetics/Laboratory Corporation of America, LabCorp); PubMed 11231775 (cited by Broad Center for Mendelian Genomics, Broad Institute of MIT and Harvard); PubMed 23449718 (cited by Broad Center for Mendelian Genomics, Broad Institute of MIT and Harvard).

NM_201253.3(CRB1):c.1147T>C (p.Cys383Arg)

Gene: CRB1 (crumbs cell polarity complex component 1; plus strand). Cytogenetic location: 1q31.3.
Variant type: single nucleotide variant.
Coding change: c.1147T>C on transcript NM_201253.3 (MANE Select); coding-DNA position 1147, T replaced by C.
Protein change: p.Cys383Arg; replaces cysteine 383 with arginine.
Molecular consequence: missense variant. On other transcripts: non-coding transcript variant (2).
Genome position (GRCh38, 1-based): chr1:197,356,989, T>C. VCF-style: chr1-197356989-T-C. GRCh37 (hg19) VCF-style: chr1-197326119-T-C.
Other names: c.811T>C, p.Cys271Arg (NM_001193640.2); c.940T>C, p.Cys314Arg (NM_001257965.2); c.1147T>C, p.Cys383Arg (NM_001257966.2); short protein forms C271R, C383R, C314R.
Identifiers: ClinVar variation 813993 (VCV000813993.4), dbSNP rs1571897130, ClinGen allele CA344084630.